The following is an entry in ClinVar:

NM_017875.4(SLC25A38):c.336_346del (p.Lys112fs)

Gene: SLC25A38 (solute carrier family 25 member 38; plus strand). Cytogenetic location: 3p22.1.
Variant type: Deletion.
Coding change: c.336_346del on transcript NM_017875.4 (MANE Select); coding-DNA positions 336 to 346, 11 bases deleted (GCAGTATTTCT).
Protein change: p.Lys112fs; shifts the reading frame from lysine 112.
Molecular consequence: frameshift variant.
Genome position (GRCh38, 1-based): chr3:39,391,500-39,391,510, GCAGTATTTCT deleted. VCF-style (leftmost placement, unchanged base first): chr3-39391499-AGCAGTATTTCT-A. GRCh37 (hg19) VCF-style: chr3-39432990-AGCAGTATTTCT-A.
Other names: c.336_346del, p.Lys112fs (NM_001354798.2); short protein forms K112fs.
Identifiers: ClinVar variation 1172491 (VCV001172491.2), dbSNP rs1301033567, ClinGen allele CA542617033.
Genomic context (GRCh38, chr3:39,391,499, plus strand): 5'-AGTCCATTGTGAGATGTGTCCCTGGCGTTGGAATCTACTTTGGCACTCTCTACTCTTTGA[AGCAGTATTTCT>A]TGCGAGGCCATCCCCCAACCGCCCTGGAGTCAGTCATGCTGGGGGTGGGCTCTCGCTCTG-3'

ClinVar aggregate classification (germline): Pathogenic. Review status: criteria provided, multiple submitters, no conflicts (2 of 4 stars). 2 submissions from 2 submitters: Pathogenic (2). Last evaluated 2025-11-03.

Conditions:
Sideroblastic anemia 2. Also called: Anemia, sideroblastic, 2, pyridoxine-refractory. Identifiers: Orphanet 260305, MedGen C4225425, MONDO:0008785, OMIM 205950.

Allele frequency attached by ClinVar (database versions not stated): gnomAD exomes below 0.00001 and 0.00001; TOPMed below 0.00001.

Submissions (2):

Labcorp Genetics (formerly Invitae), Labcorp
Classification: Pathogenic. Last evaluated: 2025-11-03. Review status: criteria provided, single submitter. Criteria: Invitae Variant Classification Sherloc (09022015). Collection method: clinical testing. Allele origin: germline.
Comment: This sequence change creates a premature translational stop signal (p.Lys112Asnfs*37) in the SLC25A38 gene. It is expected to result in an absent or disrupted protein product. Loss-of-function variants in SLC25A38 are known to be pathogenic (PMID: 19412178, 25985931). This variant is present in population databases (no rsID available, gnomAD 0.0009%). This premature translational stop signal has been observed in individual(s) with congenital sideroblastic anemia (PMID: 19412178). This variant is also known as 713_724del11bp (K112fs). ClinVar contains an entry for this variant (Variation ID: 1172491). For these reasons, this variant has been classified as Pathogenic.

Mark Fleming Laboratory, Boston Children's Hospital
Classification: Pathogenic for Sideroblastic anemia 2. Last evaluated: 2021-06-01. Review status: criteria provided, single submitter. Criteria: ACMG Guidelines, 2015. Collection method: research. Allele origin: germline. Affected: yes.

Literature cited by the submitters: PubMed 19412178 (cited by Labcorp Genetics (formerly Invitae), Labcorp and Mark Fleming Laboratory, Boston Children's Hospital); PubMed 25985931 (cited by Labcorp Genetics (formerly Invitae), Labcorp).